The following is an entry in ClinVar:

NM_001271.4(CHD2):c.63-5A>G

Gene: CHD2 (chromodomain helicase DNA binding protein 2; plus strand). Cytogenetic location: 15q26.1.
Variant type: single nucleotide variant.
Coding change: c.63-5A>G on transcript NM_001271.4 (MANE Select); 5 bases into the intron before coding-DNA position 63, A replaced by G.
Molecular consequence: intron variant.
Genome position (GRCh38, 1-based): chr15:92,924,316, A>G. VCF-style: chr15-92924316-A-G. GRCh37 (hg19) VCF-style: chr15-93467546-A-G.
Other names: c.63-5A>G (NM_001042572.3).
Identifiers: ClinVar variation 2861062 (VCV002861062.3), dbSNP rs2505384011, ClinGen allele CA2630466996.

ClinVar aggregate classification (germline): Uncertain significance (1 of 4 stars; one submission).

Conditions:
Developmental and epileptic encephalopathy 94 (DEE94). Also called: CHD2-Related Neurodevelopmental Disorders; Epileptic encephalopathy, childhood-onset. Identifiers: Orphanet 1942, Orphanet 2382, MedGen C3809278, MONDO:0014150, OMIM 615369.

Allele frequency attached by ClinVar (database versions not stated): gnomAD exomes below 0.00001.

Submission:

Labcorp Genetics (formerly Invitae), Labcorp
Classification: Uncertain significance for Developmental and epileptic encephalopathy 94. Last evaluated: 2023-05-01. Review status: criteria provided, single submitter. Criteria: Invitae Variant Classification Sherloc (09022015). Collection method: clinical testing. Allele origin: germline.
Comment: In summary, the available evidence is currently insufficient to determine the role of this variant in disease. Therefore, it has been classified as a Variant of Uncertain Significance. Algorithms developed to predict the effect of sequence changes on RNA splicing suggest that this variant may disrupt the consensus splice site. This variant has not been reported in the literature in individuals affected with CHD2-related conditions. This variant is not present in population databases (gnomAD no frequency). This sequence change falls in intron 2 of the CHD2 gene. It does not directly change the encoded amino acid sequence of the CHD2 protein.